The following is an entry in ClinVar:

NM_006031.6(PCNT):c.8107C>G (p.Arg2703Gly)

Gene: PCNT (pericentrin; plus strand). Cytogenetic location: 21q22.3.
Variant type: single nucleotide variant.
Coding change: c.8107C>G on transcript NM_006031.6 (MANE Select); coding-DNA position 8107, C replaced by G.
Protein change: p.Arg2703Gly; replaces arginine 2703 with glycine.
Molecular consequence: missense variant.
Genome position (GRCh38, 1-based): chr21:46,431,571, C>G. VCF-style: chr21-46431571-C-G. GRCh37 (hg19) VCF-style: chr21-47851485-C-G.
Other names: c.7753C>G, p.Arg2585Gly (NM_001315529.2); short protein forms R2585G, R2703G.
Identifiers: ClinVar variation 3349289 (VCV003349289.1).
Genomic context (GRCh38, chr21:46,431,571, plus strand): 5'-TATGTGTTTGCTGTCTAGGAGCTGCGGGCGTCTTTGGAGACACAGCGTGCTCAGAGCAGT[C>G]GACTCTGCGTGGCACTGAAACACGAGCAGACGGCCAAGGACAACCTGCAGAAGGAGCTGC-3'
Protein context (NP_006022.3, residues 2693-2713): SLETQRAQSS[Arg2703Gly]LCVALKHEQT

ClinVar aggregate classification (germline): Uncertain significance (0 of 4 stars; one submission).

Conditions:
PCNT-related disorder. Also called: PCNT-related condition.

gnomAD v4.1: 1 of 1,613,908 alleles (0.000062%); highest among the groups gnomAD compares: African/African-American, 0.0013%; no homozygotes.

Submission:

PreventionGenetics, part of Exact Sciences
Classification: Uncertain significance for PCNT-related condition. Last evaluated: 2024-03-20. Review status: no assertion criteria provided. Collection method: clinical testing. Allele origin: germline.
Comment: The PCNT c.8107C>G variant is predicted to result in the amino acid substitution p.Arg2703Gly. To our knowledge, this variant has not been reported in the literature. This variant is reported in 0.0062% of alleles in individuals of African descent in gnomAD. At this time, the clinical significance of this variant is uncertain due to the absence of conclusive functional and genetic evidence.